The following is an entry in ClinVar:

NM_003054.6(SLC18A2):c.1186+4A>T

Gene: SLC18A2 (solute carrier family 18 member A2; plus strand). Cytogenetic location: 10q25.3.
Variant type: single nucleotide variant.
Coding change: c.1186+4A>T on transcript NM_003054.6 (MANE Select); 4 bases into the intron after coding-DNA position 1186, A replaced by T.
Molecular consequence: intron variant.
Genome position (GRCh38, 1-based): chr10:117,267,740, A>T. VCF-style: chr10-117267740-A-T. GRCh37 (hg19) VCF-style: chr10-119027251-A-T.
Identifiers: ClinVar variation 1366797 (VCV001366797.4), dbSNP rs747505688, ClinGen allele CA5710588.
Genomic context (GRCh38, chr10:117,267,740, plus strand): 5'-TTGCAAAAAACATTTATGGACTCATAGCTCCGAACTTTGGAGTTGGTTTTGCAATTGGTA[A>T]GTCACACGAACCTTGTGCCTACATTTAAAACCGCTTTTCCACTAGGAAGGGTTCTTCTTC-3'

ClinVar aggregate classification (germline): Uncertain significance (1 of 4 stars; one submission).

Allele frequency attached by ClinVar (database versions not stated): gnomAD 0.00003; gnomAD exomes 0.00004 and 0.00021; TOPMed 0.00005; ExAC 0.00024.
gnomAD v4.1: 63 of 1,552,900 alleles (0.0041%); highest among the groups gnomAD compares: Admixed American, 0.076%; 1 homozygote.

Submission:

Labcorp Genetics (formerly Invitae), Labcorp
Classification: Uncertain significance. Last evaluated: 2024-11-11. Review status: criteria provided, single submitter. Criteria: Invitae Variant Classification Sherloc (09022015). Collection method: clinical testing. Allele origin: germline.
Comment: This sequence change falls in intron 13 of the SLC18A2 gene. It does not directly change the encoded amino acid sequence of the SLC18A2 protein. It affects a nucleotide within the consensus splice site. This variant is present in population databases (rs747505688, gnomAD 0.1%). This variant has not been reported in the literature in individuals affected with SLC18A2-related conditions. ClinVar contains an entry for this variant (Variation ID: 1366797). Variants that disrupt the consensus splice site are a relatively common cause of aberrant splicing (PMID: 17576681, 9536098). Algorithms developed to predict the effect of sequence changes on RNA splicing suggest that this variant may disrupt the consensus splice site. In summary, the available evidence is currently insufficient to determine the role of this variant in disease. Therefore, it has been classified as a Variant of Uncertain Significance.

Literature cited by the submitters: PubMed 17576681; PubMed 9536098.